The following is an entry in ClinVar:

NM_016239.4(MYO15A):c.7396-1G>A

Gene: MYO15A (myosin XVA; plus strand). Cytogenetic location: 17p11.2.
Variant type: single nucleotide variant.
Coding change: c.7396-1G>A on transcript NM_016239.4 (MANE Select); the canonical splice acceptor site of the intron before coding-DNA position 7396, G replaced by A.
Molecular consequence: splice acceptor variant.
Genome position (GRCh38, 1-based): chr17:18,150,835, G>A. VCF-style: chr17-18150835-G-A. GRCh37 (hg19) VCF-style: chr17-18054149-G-A.
Identifiers: ClinVar variation 451000 (VCV000451000.31), dbSNP rs760461823, ClinGen allele CA8424833.

ClinVar aggregate classification (germline): Pathogenic/Likely pathogenic. Review status: criteria provided, multiple submitters, no conflicts (2 of 4 stars). 6 submissions from 6 submitters: Pathogenic (4); Likely pathogenic (2). Last evaluated 2024-12-23.

Conditions:
MYO15A-related disorder. Also called: MYO15A-related condition.
Autosomal recessive nonsyndromic hearing loss 3. Also called: NEUROSENSORY NONSYNDROMIC RECESSIVE DEAFNESS 3. Identifiers: Orphanet 90636, MedGen C1838263, MONDO:0010860, OMIM 600316.

Allele frequency attached by ClinVar (database versions not stated): gnomAD exomes 0.00001; TOPMed 0.00001; ExAC 0.00002.
gnomAD v4.1: 7 of 1,593,290 alleles (0.00044%); highest among the groups gnomAD compares: East Asian, 0.014%; no homozygotes.

Submissions (6):

PreventionGenetics, part of Exact Sciences
Classification: Pathogenic for MYO15A-related condition. Last evaluated: 2024-12-23. Review status: criteria provided, single submitter. Criteria: ACMG Guidelines, 2015. Collection method: clinical testing. Allele origin: germline.
Comment: The MYO15A c.7396-1G>A variant is predicted to disrupt the AG splice acceptor site and interfere with normal splicing. This variant was reported in the compound heterozygous state along with a second pathogenic variant in multiple patients with hearing loss (Zhang et al. 2019. PubMed ID: 30953472; Table S2, Guan et al. 2021. PubMed ID: 34416374; Fu et al. 2022. PubMed ID: 35346193). This variant is reported in 0.019% of alleles in individuals of East Asian descent in gnomAD. Variants that disrupt the consensus splice acceptor site in MYO15A are expected to be pathogenic. This variant is interpreted as pathogenic.

Fulgent Genetics
Classification: Pathogenic for Autosomal recessive nonsyndromic hearing loss 3. Last evaluated: 2024-06-19. Review status: criteria provided, single submitter. Criteria: ACMG Guidelines, 2015. Collection method: clinical testing. Allele origin: germline.

Labcorp Genetics (formerly Invitae), Labcorp
Classification: Pathogenic. Last evaluated: 2023-09-26. Review status: criteria provided, single submitter. Criteria: Invitae Variant Classification Sherloc (09022015). Collection method: clinical testing. Allele origin: germline.
Comment: Disruption of this splice site has been observed in individual(s) with deafness (PMID: 30953472). In at least one individual the data is consistent with being in trans (on the opposite chromosome) from a pathogenic variant. It has also been observed to segregate with disease in related individuals. The frequency data for this variant in the population databases is considered unreliable, as metrics indicate poor data quality at this position in the gnomAD database. This sequence change affects an acceptor splice site in intron 37 of the MYO15A gene. It is expected to disrupt RNA splicing. Variants that disrupt the donor or acceptor splice site typically lead to a loss of protein function (PMID: 16199547), and loss-of-function variants in MYO15A are known to be pathogenic (PMID: 17546645). ClinVar contains an entry for this variant (Variation ID: 451000). For these reasons, this variant has been classified as Pathogenic. Algorithms developed to predict the effect of sequence changes on RNA splicing suggest that this variant may disrupt the consensus splice site.

GeneDx
Classification: Likely pathogenic. Last evaluated: 2017-10-25. Review status: criteria provided, single submitter. Criteria: GeneDx Variant Classification (06012015). Collection method: clinical testing. Allele origin: germline. Affected: yes.
Comment: The c.7396-1G>A variant in the MYO15A gene has not been reported previously as a pathogenic variant nor as a benign variant, to our knowledge. This splice site variant destroys the canonical splice acceptor site in intron 37. It is predicted to cause abnormal gene splicing, either leading to an abnormal message that is subject to nonsense-mediated mRNA decay, or to an abnormal protein product if the message is used for protein translation. The c.7396-1G>A variant is not observed at a significant frequency in large population cohorts (Lek et al., 2016; 1000 Genomes Consortium et al., 2015; Exome Variant Server). We interpret c.7396-1G>A as a likely pathogenic variant.

Juno Genomics, Hangzhou Juno Genomics, Inc
Classification: Likely pathogenic for Autosomal recessive nonsyndromic hearing loss 3. Review status: criteria provided, single submitter. Criteria: ACMG Guidelines, 2015. Collection method: clinical testing. Allele origin: germline.
Comment: Null variant in a gene where loss of function (LOF) is a known mechanism of disease.;For recessive disorders, detected in trans with a pathogenic variant.;Co-segregation with disease in multiple affected family members.

Molecular Diagnosis Center for Deafness
Classification: Pathogenic for Autosomal recessive nonsyndromic hearing loss 3. Review status: criteria provided, single submitter. Criteria: ClinGen HL ACMG Specifications v1. Collection method: clinical testing. Allele origin: maternal. Observed: 2 variant alleles.

Literature cited by the submitters: PubMed 30953472 (cited by Labcorp Genetics (formerly Invitae), Labcorp); PubMed 16199547 (cited by Labcorp Genetics (formerly Invitae), Labcorp); PubMed 17546645 (cited by Labcorp Genetics (formerly Invitae), Labcorp).